The following is an entry in ClinVar:

NM_001142800.2(EYS):c.548G>T (p.Cys183Phe)

Gene: EYS (EGF-like photoreceptor maintenance factor; minus strand). Cytogenetic location: 6q12.
Variant type: single nucleotide variant.
Coding change: c.548G>T on transcript NM_001142800.2 (MANE Select); coding-DNA position 548, G replaced by T.
Protein change: p.Cys183Phe; replaces cysteine 183 with phenylalanine.
Molecular consequence: missense variant.
Genome position (GRCh38, 1-based): chr6:65,494,863, C>A on the plus strand (G>T on the coding strand, the complement: EYS is on the minus strand). VCF-style: chr6-65494863-C-A. GRCh37 (hg19) VCF-style: chr6-66204756-C-A.
Other names: c.548G>T, p.Cys183Phe (NM_001142801.2, NM_001292009.2, NM_198283.2); short protein forms C183F.
Identifiers: ClinVar variation 962331 (VCV000962331.5), dbSNP rs1766186534, ClinGen allele CA364789670.
Genomic context (GRCh38, chr6:65,494,863, plus strand): 5'-TGGCAATGGCAGCTATATGTCTTGCTCCAAGCTTCACTAAGACATTTACCATGACCAGAG[C>A]AAAATTCTGAACTCAGAGATTCCTGGCAGAACTGCTGTTTCACTGTCACATTTAGTCGAA-3'
Protein context (NP_001136272.1, residues 173-193): FCQESLSSEF[Cys183Phe]SGHGKCLSEA

ClinVar aggregate classification (germline): Uncertain significance. Review status: criteria provided, multiple submitters, no conflicts (2 of 4 stars). 2 submissions from 2 submitters: Uncertain significance (2). Last evaluated 2021-10-14.

Allele frequency attached by ClinVar (database versions not stated): gnomAD exomes below 0.00001.
gnomAD v4.1: 3 of 1,614,026 alleles (0.00019%); highest among the groups gnomAD compares: Non-Finnish European, 0.00025%; no homozygotes.

Submissions (2):

Blueprint Genetics
Classification: Uncertain significance. Last evaluated: 2021-10-14. Review status: criteria provided, single submitter. Criteria: ACMG Guidelines, 2015. Collection method: clinical testing. Allele origin: germline.

Labcorp Genetics (formerly Invitae), Labcorp
Classification: Uncertain significance. Last evaluated: 2021-08-28. Review status: criteria provided, single submitter. Criteria: Invitae Variant Classification Sherloc (09022015). Collection method: clinical testing. Allele origin: germline.
Comment: This sequence change replaces cysteine with phenylalanine at codon 183 of the EYS protein (p.Cys183Phe). The cysteine residue is highly conserved and there is a large physicochemical difference between cysteine and phenylalanine. This variant is not present in population databases (ExAC no frequency). This variant has not been reported in the literature in individuals affected with EYS-related conditions. Algorithms developed to predict the effect of missense changes on protein structure and function (SIFT, PolyPhen-2, Align-GVGD) all suggest that this variant is likely to be disruptive. In summary, the available evidence is currently insufficient to determine the role of this variant in disease. Therefore, it has been classified as a Variant of Uncertain Significance.